The following is an entry in ClinVar:

NM_018952.5(HOXB6):c.416-6T>C

Genes: HOXB-AS3 (HOXB cluster antisense RNA 3; plus strand), HOXB6 (homeobox B6; minus strand). Cytogenetic location: 17q21.32.
Variant type: single nucleotide variant.
Coding change: c.416-6T>C on transcript NM_018952.5 (MANE Select); 6 bases into the intron before coding-DNA position 416, T replaced by C.
Molecular consequence: intron variant.
Genome position (GRCh38, 1-based): chr17:48,596,678, A>G on the plus strand (T>C on the coding strand, the complement: HOXB6 is on the minus strand). VCF-style: chr17-48596678-A-G. GRCh37 (hg19) VCF-style: chr17-46674040-A-G.
Other names: c.416-6T>C (NM_001369397.2).
Identifiers: ClinVar variation 4978301 (VCV004978301.1).

ClinVar aggregate classification (germline): Uncertain significance (1 of 4 stars; one submission).

Conditions:
HOXB6-related disorder. Also called: HOXB6-related condition.

gnomAD v4.1: 10 of 1,611,632 alleles (0.00062%); highest among the groups gnomAD compares: Non-Finnish European, 0.00076%; no homozygotes.

Submission:

PreventionGenetics, part of Exact Sciences
Classification: Uncertain significance for HOXB6-related condition. Last evaluated: 2026-04-07. Review status: criteria provided, single submitter. Criteria: ACMG Guidelines, 2015. Collection method: clinical testing. Allele origin: germline.
Comment: The HOXB6 c.416-6T>C variant is predicted to interfere with splicing. To our knowledge, this variant has not been reported in the literature. This variant is reported in 0.0023% of alleles in individuals of European (Non-Finnish) descent in gnomAD. At this time, the clinical significance of this variant is uncertain due to the absence of conclusive functional and genetic evidence.